The following is an entry in ClinVar:

NM_000168.6(GLI3):c.2711G>A (p.Arg904His)

Gene: GLI3 (GLI family zinc finger 3; minus strand). Cytogenetic location: 7p14.1.
Variant type: single nucleotide variant.
Coding change: c.2711G>A on transcript NM_000168.6 (MANE Select); coding-DNA position 2711, G replaced by A.
Protein change: p.Arg904His; replaces arginine 904 with histidine.
Molecular consequence: missense variant.
Genome position (GRCh38, 1-based): chr7:41,966,362, C>T on the plus strand (G>A on the coding strand, the complement: GLI3 is on the minus strand). VCF-style: chr7-41966362-C-T. GRCh37 (hg19) VCF-style: chr7-42005960-C-T.
Other names: short protein forms R904H.
Identifiers: ClinVar variation 2949053 (VCV002949053.3), dbSNP rs2484379786, ClinGen allele CA367320504.
Genomic context (GRCh38, chr7:41,966,362, plus strand): 5'-GCGGGCGTGAGGCTGAGCAGGCTGGGCAGGCCGTCGCTCTGGCTGGCTTCGCTGGAGCGG[C>T]GCGAGGCGTCGGTGGAGATGGGGTCGTAGGAGTCGGCCACGCTCACGTTCTGCGGCCGGC-3'
Protein context (NP_000159.3, residues 894-914): SYDPISTDAS[Arg904His]RSSEASQSDG

ClinVar aggregate classification (germline): Uncertain significance (1 of 4 stars; one submission).

Conditions:
Greig cephalopolysyndactyly syndrome (GCPS). Also called: GLI3-Related Greig Cephalopolysyndactyly Syndrome; POLYSYNDACTYLY WITH PECULIAR SKULL SHAPE; Greig syndrome. Identifiers: Orphanet 380, MedGen C0265306, MONDO:0008287, OMIM 175700.
Pallister-Hall syndrome (PHS). Also called: GLI3-Related Pallister-Hall Syndrome; HYPOTHALAMIC HAMARTOBLASTOMA, HYPOPITUITARISM, IMPERFORATE ANUS, AND POSTAXIAL POLYDACTYLY. Identifiers: Orphanet 672, MedGen C0265220, MONDO:0007804, OMIM 146510.

Submission:

Labcorp Genetics (formerly Invitae), Labcorp
Classification: Uncertain significance for Pallister-Hall syndrome; Greig cephalopolysyndactyly syndrome. Last evaluated: 2023-08-07. Review status: criteria provided, single submitter. Criteria: Invitae Variant Classification Sherloc (09022015). Collection method: clinical testing. Allele origin: germline.
Comment: This variant is not present in population databases (gnomAD no frequency). In summary, the available evidence is currently insufficient to determine the role of this variant in disease. Therefore, it has been classified as a Variant of Uncertain Significance. Advanced modeling of protein sequence and biophysical properties (such as structural, functional, and spatial information, amino acid conservation, physicochemical variation, residue mobility, and thermodynamic stability) performed at Invitae indicates that this missense variant is expected to disrupt GLI3 protein function. This variant has not been reported in the literature in individuals affected with GLI3-related conditions. This sequence change replaces arginine, which is basic and polar, with histidine, which is basic and polar, at codon 904 of the GLI3 protein (p.Arg904His).